The following is an entry in ClinVar:

NM_007294.4(BRCA1):c.4699G>A (p.Gly1567Arg)

Gene: BRCA1 (BRCA1 DNA repair associated; minus strand). Cytogenetic location: 17q21.31.
Variant type: single nucleotide variant.
Coding change: c.4699G>A on transcript NM_007294.4 (MANE Select); coding-DNA position 4699, G replaced by A.
Protein change: p.Gly1567Arg; replaces glycine 1567 with arginine.
Molecular consequence: missense variant. On other transcripts: non-coding transcript variant (1).
Genome position (GRCh38, 1-based): chr17:43,071,215, C>T on the plus strand (G>A on the coding strand, the complement: BRCA1 is on the minus strand). VCF-style: chr17-43071215-C-T. GRCh37 (hg19) VCF-style: chr17-41223232-C-T.
Other names: c.4693G>A, p.Gly1565Arg (NM_001407632.1, NM_001407633.1, NM_001407634.1 and 14 more transcripts); c.1384G>A, p.Gly462Arg (NM_001408400.1, NM_001408401.1, NM_001408402.1 and 8 more transcripts); c.4486G>A, p.Gly1496Arg (NM_001407571.1, NM_001407894.1, NM_001407895.1 and 12 more transcripts); c.4765G>A, p.Gly1589Arg (NM_001407581.1, NM_001407582.1); c.4762G>A, p.Gly1588Arg (NM_001407583.1, NM_001407585.1, NM_001407587.1 and 1 more transcripts); c.4759G>A, p.Gly1587Arg (NM_001407590.1, NM_001407591.1); c.4699G>A, p.Gly1567Arg (NM_001407593.1, NM_001407594.1, NM_001407596.1 and 8 more transcripts); c.4696G>A, p.Gly1566Arg (NM_001407610.1, NM_001407611.1, NM_001407612.1 and 17 more transcripts); and 70 more; short protein forms G1567R, G1520R, G463R, G1588R, G1271R, G1478R, G1498R, G1500R.
Identifiers: ClinVar variation 489723 (VCV000489723.21), dbSNP rs568753972, ClinGen allele CA10592114.

ClinVar aggregate classification (germline): Uncertain significance. Review status: criteria provided, multiple submitters, no conflicts (2 of 4 stars). 5 submissions from 5 submitters: Uncertain significance (5). Last evaluated 2025-12-08.

Conditions:
Hereditary cancer-predisposing syndrome. Also called: Hereditary Cancer Syndrome; Neoplastic Syndromes, Hereditary; Tumor predisposition; Hereditary neoplastic syndrome. Identifiers: Orphanet 140162, MedGen C0027672, MeSH D009386, MONDO:0015356.
Hereditary breast ovarian cancer syndrome. Also called: Breast and ovarian cancer; Hereditary breast and/or ovarian cancer syndrome; Hereditary breast and ovarian cancer; Hereditary breast and ovarian cancer syndrome (HBOC); BRCA1- and BRCA2-Associated Hereditary Breast and Ovarian Cancer; Hereditary breast and ovarian cancer syndrome. Identifiers: Orphanet 145, MedGen C0677776, MeSH D061325, MONDO:0003582. Disease mechanism: loss of function.

Allele frequency attached by ClinVar (database versions not stated): gnomAD exomes below 0.00001 and 0.00001; gnomAD 0.00001; TOPMed 0.00001; 1000 Genomes Project 30x 0.00016; 1000 Genomes Project 0.00020.
gnomAD v4.1: 8 of 1,614,164 alleles (0.0005%); highest among the groups gnomAD compares: South Asian, 0.0066%; no homozygotes.

Submissions (5):

Labcorp Genetics (formerly Invitae), Labcorp
Classification: Uncertain significance for Hereditary breast ovarian cancer syndrome. Last evaluated: 2025-12-08. Review status: criteria provided, single submitter. Criteria: Invitae Variant Classification Sherloc (09022015). Collection method: clinical testing. Allele origin: germline.
Comment: This sequence change replaces glycine, which is neutral and non-polar, with arginine, which is basic and polar, at codon 1567 of the BRCA1 protein (p.Gly1567Arg). This variant is present in population databases (rs568753972, gnomAD 0.006%). This variant has not been reported in the literature in individuals affected with BRCA1-related conditions. ClinVar contains an entry for this variant (Variation ID: 489723). Invitae Evidence Modeling of protein sequence and biophysical properties (such as structural, functional, and spatial information, amino acid conservation, physicochemical variation, residue mobility, and thermodynamic stability) has been performed for this missense variant. However, the output from this modeling did not meet the statistical confidence thresholds required to predict the impact of this variant on BRCA1 protein function. In summary, the available evidence is currently insufficient to determine the role of this variant in disease. Therefore, it has been classified as a Variant of Uncertain Significance.

Ambry Genetics
Classification: Uncertain significance for Hereditary cancer-predisposing syndrome. Last evaluated: 2025-08-04. Review status: criteria provided, single submitter. Criteria: Ambry Variant Classification Scheme 2023. Collection method: clinical testing. Allele origin: germline.
Comment: The p.G1567R variant (also known as c.4699G>A), located in coding exon 14 of the BRCA1 gene, results from a G to A substitution at nucleotide position 4699. The glycine at codon 1567 is replaced by arginine, an amino acid with dissimilar properties. This amino acid position is highly conserved in available vertebrate species. In addition, this alteration is predicted to be deleterious by in silico analysis. Since supporting evidence is limited at this time, the clinical significance of this alteration remains unclear.

Sema4
Classification: Uncertain significance for Hereditary cancer-predisposing syndrome. Last evaluated: 2021-09-09. Review status: criteria provided, single submitter. Criteria: Sema4 Curation Guidelines. Collection method: curation. Allele origin: germline.
Comment: To the best of our knowledge, the BRCA1 c.4699G>A (p.G1567R) variant has not been reported in individuals with BRCA1-related disease. It was observed in 2/30616 chromosomes of the South Asian subpopulation in the large and broad cohorts of the Genome Aggregation Database (PMID: 32461654). The variant has been reported in ClinVar (Variation ID: 489723). In silico tools suggest the impact of the variant on protein function is deleterious, though these predictions have not been confirmed by functional studies. The evidence is insufficient to meet ACMG/AMP criteria for classifying the variant as benign or pathogenic. Thus, the clinical significance of this variant is currently uncertain.

Genetic Services Laboratory, University of Chicago
Classification: Uncertain significance. Last evaluated: 2021-07-21. Review status: criteria provided, single submitter. Criteria: ACMG Guidelines, 2015. Collection method: clinical testing. Allele origin: germline. Affected: no.
Comment: DNA sequence analysis of the BRCA1 gene demonstrated a sequence change, c.4699G>A, in exon 15 that results in an amino acid change, p.Gly1567Arg. This sequence change does not appear to have been previously described in individuals with BRCA1-related disorders. This sequence change has been described in the gnomAD database with a frequency of 0.0065% in the South Asian subpopulation (dbSNP rs568753972). The p.Gly1567Arg change affects a moderately conserved amino acid residue located in a domain of the BRCA1 protein that is known to be functional. In-silico pathogenicity prediction tools (SIFT, PolyPhen2, Align GVGD, REVEL) provide contradictory results for the p.Gly1567Arg substitution. Due to insufficient evidences and the lack of functional studies, the clinical significance of the p.Gly1567Arg change remains unknown at this time.

Color Diagnostics, LLC DBA Color Health
Classification: Uncertain significance for Hereditary cancer-predisposing syndrome. Last evaluated: 2019-12-03. Review status: criteria provided, single submitter. Criteria: ACMG Guidelines, 2015. Collection method: clinical testing. Allele origin: germline.
Comment: This missense variant replaces glycine with arginine at codon 1567 of the BRCA1 protein. Computational prediction suggests that this variant may have deleterious impact on protein structure and function (internally defined REVEL score threshold >= 0.7, PMID: 27666373). Splice site prediction tools suggest that this variant may not impact RNA splicing. To our knowledge, functional studies have not been performed for this variant. This variant has not been reported in individuals affected with hereditary cancer in the literature. This variant has been identified in 2/250974 chromosomes in the general population by the Genome Aggregation Database (gnomAD). The available evidence is insufficient to determine the role of this variant in disease conclusively. Therefore, this variant is classified as a Variant of Uncertain Significance.